The following is an entry in ClinVar:

NM_001007532.3(STH):c.283T>C (p.Ser95Pro)

Genes: MAPT (microtubule associated protein tau), STH (saitohin). Cytogenetic location: 17q21.31.
Variant type: single nucleotide variant.
Coding change: c.283T>C on transcript NM_001007532.3 (MANE Select); coding-DNA position 283, T replaced by C.
Protein change: p.Ser95Pro; replaces serine 95 with proline.
Molecular consequence: missense variant. On other transcripts: intron variant (12).
Genome position (GRCh38, 1-based): chr17:45,999,562, T>C. VCF-style: chr17-45999562-T-C. GRCh37 (hg19) VCF-style: chr17-44076928-T-C.
Other names: c.648+2898T>C (NM_001377268.1, NM_016834.5, NM_016841.5); c.1827+2898T>C (NM_001123066.4); c.1773+2898T>C (NM_016835.5); c.822+2898T>C (NM_005910.6, NM_001203252.2); c.1998+2898T>C (NM_001377265.1); c.1800+2898T>C (NM_001377266.1); c.735+2898T>C (NM_001123067.4, NM_001203251.2, NM_001377267.1); short protein forms S95P.
Identifiers: ClinVar variation 4872419 (VCV004872419.2).
Genomic context (GRCh38, chr17:45,999,562, plus strand): 5'-CCCAGTTCTTACAGCTCTGAAGAGAGCAGCAGGAATGGGGCTGAGCAGGGAAGACAACTT[T>C]CCATTGAAGGCCCCTTTCAGGGCCAGAACTGTCCCTCCCACCCTGCAGCTGCCCTGCCTC-3'
Protein context (NP_001007533.1, residues 85-105): RNGAEQGRQL[Ser95Pro]IEGPFQGQNC

ClinVar aggregate classification (germline): Likely benign (1 of 4 stars; one submission).

gnomAD v4.1: 579 of 1,612,966 alleles (0.036%); highest among the groups gnomAD compares: East Asian, 1.2%; 7 homozygotes.

Submission:

CeGaT Center for Human Genetics Tuebingen
Classification: Likely benign. Last evaluated: 2026-03-01. Review status: criteria provided, single submitter. Criteria: CeGaT Center For Human Genetics Tuebingen Variant Classification Criteria Version 2. Collection method: clinical testing. Allele origin: germline. Affected: yes. Observed: 1 variant allele.
Comment: STH: BP4, BS1